The following is an entry in ClinVar:

ClinVar aggregate classification (germline): Uncertain significance. Review status: criteria provided, multiple submitters, no conflicts (2 of 4 stars). 2 submissions from 2 submitters: Uncertain significance (2). Last evaluated 2025-02-10.

Conditions:
Neurofibromatosis, type 1 (NF1). Also called: Peripheral type neurofibromatosis; Neurofibromatosis, type I; VON RECKLINGHAUSEN DISEASE; NEUROFIBROMATOSIS, TYPE I, SOMATIC. Identifiers: Orphanet 636, MedGen C0027831, MONDO:0018975, OMIM 162200. Disease mechanism: loss of function.

Submissions (2):

GeneDx
Classification: Uncertain significance. Last evaluated: 2025-02-10. Review status: criteria provided, single submitter. Criteria: GeneDx Variant Classification Process June 2021. Collection method: clinical testing. Allele origin: germline. Affected: yes.
Comment: Not observed at significant frequency in large population cohorts (gnomAD); In silico analysis supports that this missense variant has a deleterious effect on protein structure/function; Has not been previously published as pathogenic or benign to our knowledge

Labcorp Genetics (formerly Invitae), Labcorp
Classification: Uncertain significance for Neurofibromatosis, type 1. Last evaluated: 2024-02-06. Review status: criteria provided, single submitter. Criteria: Invitae Variant Classification Sherloc (09022015). Collection method: clinical testing. Allele origin: germline.
Comment: This sequence change replaces isoleucine, which is neutral and non-polar, with phenylalanine, which is neutral and non-polar, at codon 2234 of the NF1 protein (p.Ile2234Phe). This variant is not present in population databases (gnomAD no frequency). This variant has not been reported in the literature in individuals affected with NF1-related conditions. ClinVar contains an entry for this variant (Variation ID: 1810109). Advanced modeling of protein sequence and biophysical properties (such as structural, functional, and spatial information, amino acid conservation, physicochemical variation, residue mobility, and thermodynamic stability) performed at Invitae indicates that this missense variant is expected to disrupt NF1 protein function with a positive predictive value of 95%. In summary, the available evidence is currently insufficient to determine the role of this variant in disease. Therefore, it has been classified as a Variant of Uncertain Significance.

NM_001042492.3(NF1):c.6763A>T (p.Ile2255Phe)

Gene: NF1 (neurofibromin 1; plus strand). Cytogenetic location: 17q11.2.
Variant type: single nucleotide variant.
Coding change: c.6763A>T on transcript NM_001042492.3 (MANE Select); coding-DNA position 6763, A replaced by T.
Protein change: p.Ile2255Phe; replaces isoleucine 2255 with phenylalanine.
Molecular consequence: missense variant.
Genome position (GRCh38, 1-based): chr17:31,338,083, A>T. VCF-style: chr17-31338083-A-T. GRCh37 (hg19) VCF-style: chr17-29665101-A-T.
Other names: c.6700A>T, p.Ile2234Phe (NM_000267.4); short protein forms I2234F, I2255F.
Identifiers: ClinVar variation 1810109 (VCV001810109.7), dbSNP rs2508759355, ClinGen allele CA399014105.